The following is an entry in ClinVar:

ClinVar aggregate classification (germline): Uncertain significance (1 of 4 stars; one submission).

Allele frequency attached by ClinVar (database versions not stated): TOPMed below 0.00001; gnomAD 0.00001.
gnomAD v4.1: 3 of 1,614,146 alleles (0.00019%); highest among the groups gnomAD compares: African/African-American, 0.0027%; no homozygotes.

Submission:

Labcorp Genetics (formerly Invitae), Labcorp
Classification: Uncertain significance. Last evaluated: 2022-02-02. Review status: criteria provided, single submitter. Criteria: Invitae Variant Classification Sherloc (09022015). Collection method: clinical testing. Allele origin: germline.
Comment: Algorithms developed to predict the effect of missense changes on protein structure and function (SIFT, PolyPhen-2, Align-GVGD) all suggest that this variant is likely to be tolerated. In summary, the available evidence is currently insufficient to determine the role of this variant in disease. Therefore, it has been classified as a Variant of Uncertain Significance. This variant has not been reported in the literature in individuals affected with LEMD3-related conditions. This variant is present in population databases (no rsID available, gnomAD 0.003%). This sequence change replaces threonine, which is neutral and polar, with isoleucine, which is neutral and non-polar, at codon 373 of the LEMD3 protein (p.Thr373Ile).

NM_014319.5(LEMD3):c.1118C>T (p.Thr373Ile)

Genes: LEMD3 (LEM domain containing 3; plus strand), LOC130008225 (ATAC-STARR-seq lymphoblastoid active region 6608; plus strand). Cytogenetic location: 12q14.3.
Variant type: single nucleotide variant.
Coding change: c.1118C>T on transcript NM_014319.5 (MANE Select); coding-DNA position 1118, C replaced by T.
Protein change: p.Thr373Ile; replaces threonine 373 with isoleucine.
Molecular consequence: missense variant.
Genome position (GRCh38, 1-based): chr12:65,170,714, C>T. VCF-style: chr12-65170714-C-T. GRCh37 (hg19) VCF-style: chr12-65564494-C-T.
Other names: c.1118C>T, p.Thr373Ile (NM_001167614.2); short protein forms T373I.
Identifiers: ClinVar variation 1907440 (VCV001907440.5), dbSNP rs1013010389, ClinGen allele CA238907741.